The following is an entry in ClinVar:

NM_001035.3(RYR2):c.12115G>A (p.Gly4039Ser)

Gene: RYR2 (ryanodine receptor 2; plus strand). Cytogenetic location: 1q43.
Variant type: single nucleotide variant.
Coding change: c.12115G>A on transcript NM_001035.3 (MANE Select); coding-DNA position 12115, G replaced by A.
Protein change: p.Gly4039Ser; replaces glycine 4039 with serine.
Molecular consequence: missense variant.
Genome position (GRCh38, 1-based): chr1:237,783,827, G>A. VCF-style: chr1-237783827-G-A. GRCh37 (hg19) VCF-style: chr1-237947127-G-A.
Other names: short protein forms G4039S.
Identifiers: ClinVar variation 4686240 (VCV004686240.1).
Genomic context (GRCh38, chr1:237,783,827, plus strand): 5'-ATGTTCTTAAAACTAAAGGATTTGACGTCGTCTGATACTTTTAAAGAATATGACCCCGAT[G>A]GCAAGGGAGTCATTTCCAAGAGGGACTTCCACAAAGCGATGGAGAGCCATAAGCACTACA-3'
Protein context (NP_001026.2, residues 4029-4049): SDTFKEYDPD[Gly4039Ser]KGVISKRDFH

ClinVar aggregate classification (germline): Uncertain significance (1 of 4 stars; one submission).

gnomAD v4.1: 1 of 1,613,862 alleles (0.000062%); no homozygotes.

Submission:

GeneDx
Classification: Uncertain significance. Last evaluated: 2025-07-13. Review status: criteria provided, single submitter. Criteria: GeneDx Variant Classification Process June 2021. Collection method: clinical testing. Allele origin: germline. Affected: yes.
Comment: Not observed at significant frequency in large population cohorts (gnomAD); In silico analysis suggests that this missense variant does not alter protein structure/function; Has not been previously published as pathogenic or benign to our knowledge; Located in one of the three hot-spot regions of the RYR2 gene, where the majority of pathogenic missense variants occur (PMID: 19926015); This variant is associated with the following publications: (PMID: 19926015)